The following is an entry in ClinVar:

NM_014141.6(CNTNAP2):c.102A>C (p.Lys34Asn)

Gene: CNTNAP2 (contactin associated protein 2; plus strand). Cytogenetic location: 7q35.
Variant type: single nucleotide variant.
Coding change: c.102A>C on transcript NM_014141.6 (MANE Select); coding-DNA position 102, A replaced by C.
Protein change: p.Lys34Asn; replaces lysine 34 with asparagine.
Molecular consequence: missense variant.
Genome position (GRCh38, 1-based): chr7:146,774,275, A>C. VCF-style: chr7-146774275-A-C. GRCh37 (hg19) VCF-style: chr7-146471367-A-C.
Other names: short protein forms K34N.
Identifiers: ClinVar variation 1045444 (VCV001045444.6), dbSNP rs779436784, ClinGen allele CA4545698.

ClinVar aggregate classification (germline): Uncertain significance. Review status: criteria provided, multiple submitters, no conflicts (2 of 4 stars). 2 submissions from 2 submitters: Uncertain significance (2). Last evaluated 2024-08-07.

Conditions:
Cortical dysplasia-focal epilepsy syndrome (PTHSL1). Also called: Pitt-Hopkins-like syndrome 1. Identifiers: Orphanet 163681, Orphanet 221150, MedGen C2750246, MONDO:0012400, OMIM 610042.

Allele frequency attached by ClinVar (database versions not stated): ExAC 0.00001; gnomAD exomes 0.00001 and 0.00003.
gnomAD v4.1: 9 of 1,613,112 alleles (0.00056%); highest among the groups gnomAD compares: Admixed American, 0.015%; no homozygotes.

Submissions (2):

Labcorp Genetics (formerly Invitae), Labcorp
Classification: Uncertain significance for Cortical dysplasia-focal epilepsy syndrome. Last evaluated: 2024-08-07. Review status: criteria provided, single submitter. Criteria: Invitae Variant Classification Sherloc (09022015). Collection method: clinical testing. Allele origin: germline.
Comment: This sequence change replaces lysine, which is basic and polar, with asparagine, which is neutral and polar, at codon 34 of the CNTNAP2 protein (p.Lys34Asn). This variant is present in population databases (rs779436784, gnomAD 0.02%). This variant has not been reported in the literature in individuals affected with CNTNAP2-related conditions. ClinVar contains an entry for this variant (Variation ID: 1045444). An algorithm developed to predict the effect of missense changes on protein structure and function (PolyPhen-2) suggests that this variant¬†is likely to be tolerated. In summary, the available evidence is currently insufficient to determine the role of this variant in disease. Therefore, it has been classified as a Variant of Uncertain Significance.

New York Genome Center
Classification: Uncertain significance for Cortical dysplasia-focal epilepsy syndrome. Last evaluated: 2020-07-10. Review status: criteria provided, single submitter. Criteria: NYGC Assertion Criteria 2020. Collection method: clinical testing. Allele origin: inherited. Observed: 1 heterozygote. Study: CSER-NYCKidSeq.